The following is an entry in ClinVar:

ClinVar aggregate classification (germline): Likely benign. Review status: criteria provided, multiple submitters, no conflicts (2 of 4 stars). 4 submissions from 4 submitters: Likely benign (3). 1 of the submissions does not count toward it. Last evaluated 2025-09-29.

Conditions:
Multiple endocrine neoplasia, type 2 (MEN2). Identifiers: Orphanet 653, MedGen C4048306, MONDO:0019003. Disease mechanism: gain of function.
RET-related disorder. Also called: RET-related condition; RET-related disease; RET-related disorders.
Hereditary cancer-predisposing syndrome. Also called: Tumor predisposition; Neoplastic Syndromes, Hereditary; Hereditary neoplastic syndrome; Hereditary Cancer Syndrome. Identifiers: Orphanet 140162, MedGen C0027672, MeSH D009386, MONDO:0015356.

gnomAD v4.1: 2 of 1,613,898 alleles (0.00012%); highest among the groups gnomAD compares: Non-Finnish European, 0.00017%; no homozygotes.

Submissions (4):

Color Diagnostics, LLC DBA Color Health
Classification: Likely benign for Multiple endocrine neoplasia, type 2. Last evaluated: 2025-09-29. Review status: criteria provided, single submitter. Criteria: ACMG Guidelines, 2015. Collection method: clinical testing. Allele origin: germline.

Labcorp Genetics (formerly Invitae), Labcorp
Classification: Likely benign for Multiple endocrine neoplasia, type 2. Last evaluated: 2025-03-12. Review status: criteria provided, single submitter. Criteria: Invitae Variant Classification Sherloc (09022015). Collection method: clinical testing. Allele origin: germline.

Ambry Genetics
Classification: Likely benign for Hereditary cancer-predisposing syndrome. Last evaluated: 2019-08-06. Review status: criteria provided, single submitter. Criteria: Ambry Variant Classification Scheme 2023. Collection method: clinical testing. Allele origin: germline.

PreventionGenetics, part of Exact Sciences
Classification: Likely benign for RET-related condition. Last evaluated: 2023-11-13. Review status: no assertion criteria provided. Collection method: clinical testing. Allele origin: germline. Not counted in ClinVar's aggregate classification.
Comment: This variant is classified as likely benign based on ACMG/AMP sequence variant interpretation guidelines (Richards et al. 2015 PMID: 25741868, with internal and published modifications).

NM_020975.6(RET):c.153G>A (p.Leu51=)

Gene: RET (ret proto-oncogene; plus strand). Cytogenetic location: 10q11.21.
Variant type: single nucleotide variant.
Coding change: c.153G>A on transcript NM_020975.6 (MANE Select); coding-DNA position 153, G replaced by A.
Protein change: p.Leu51=; no amino-acid change (leucine 51 retained).
Molecular consequence: synonymous variant. On other transcripts: intron variant (4).
Genome position (GRCh38, 1-based): chr10:43,100,538, G>A. VCF-style: chr10-43100538-G-A. GRCh37 (hg19) VCF-style: chr10-43595986-G-A.
Other names: c.153G>A, p.Leu51= (NM_000323.2, NM_001406743.1, NM_001406744.1 and 34 more transcripts); c.74-8493G>A (NM_001406784.1); c.74-11561G>A (NM_001406794.1, NM_001406792.1, NM_001406793.1).
Identifiers: ClinVar variation 1149729 (VCV001149729.15), dbSNP rs1837615966, ClinGen allele CA469490469.